The following is an entry in ClinVar:

NM_007055.4(POLR3A):c.1770+5G>A

Gene: POLR3A (RNA polymerase III subunit A; minus strand). Cytogenetic location: 10q22.3.
Variant type: single nucleotide variant.
Coding change: c.1770+5G>A on transcript NM_007055.4 (MANE Select); 5 bases into the intron after coding-DNA position 1770, G replaced by A.
Molecular consequence: intron variant.
Genome position (GRCh38, 1-based): chr10:78,009,859, C>T on the plus strand (G>A on the coding strand, the complement: POLR3A is on the minus strand). VCF-style: chr10-78009859-C-T. GRCh37 (hg19) VCF-style: chr10-79769617-C-T.
Identifiers: ClinVar variation 2002120 (VCV002002120.4), dbSNP rs2493220149, ClinGen allele CA2580082027.

ClinVar aggregate classification (germline): Uncertain significance (1 of 4 stars; one submission).

Submission:

Labcorp Genetics (formerly Invitae), Labcorp
Classification: Uncertain significance. Last evaluated: 2022-09-26. Review status: criteria provided, single submitter. Criteria: Invitae Variant Classification Sherloc (09022015). Collection method: clinical testing. Allele origin: germline.
Comment: In summary, the available evidence is currently insufficient to determine the role of this variant in disease. Therefore, it has been classified as a Variant of Uncertain Significance. Variants that disrupt the consensus splice site are a relatively common cause of aberrant splicing (PMID: 17576681, 9536098). Algorithms developed to predict the effect of sequence changes on RNA splicing suggest that this variant may create or strengthen a splice site. This variant has not been reported in the literature in individuals affected with POLR3A-related conditions. This variant is not present in population databases (gnomAD no frequency). This sequence change falls in intron 13 of the POLR3A gene. It does not directly change the encoded amino acid sequence of the POLR3A protein. It affects a nucleotide within the consensus splice site.

Literature cited by the submitters: PubMed 17576681; PubMed 9536098.